The following is an entry in ClinVar:

NM_014249.4(NR2E3):c.310C>T (p.Arg104Trp)

Gene: NR2E3 (nuclear receptor subfamily 2 group E member 3; plus strand). Cytogenetic location: 15q23.
Variant type: single nucleotide variant.
Coding change: c.310C>T on transcript NM_014249.4 (MANE Select); coding-DNA position 310, C replaced by T.
Protein change: p.Arg104Trp; replaces arginine 104 with tryptophan.
Molecular consequence: missense variant.
Genome position (GRCh38, 1-based): chr15:71,811,830, C>T. VCF-style: chr15-71811830-C-T. GRCh37 (hg19) VCF-style: chr15-72104170-C-T.
Other names: c.310C>T, p.Arg104Trp (NM_016346.4); short protein forms R104W.
Identifiers: ClinVar variation 846973 (VCV000846973.14), dbSNP rs990307718, ClinGen allele CA272575004.

ClinVar aggregate classification (germline): Pathogenic/Likely pathogenic. Review status: criteria provided, multiple submitters, no conflicts (2 of 4 stars). 6 submissions from 6 submitters: Pathogenic (5); Likely pathogenic (1). Last evaluated 2026-05-04.

Conditions:
Enhanced S-cone syndrome (ESCS). Identifiers: Orphanet 53540, MedGen C1849394, MONDO:0100288, MONDO:0009989.
NR2E3-related disorder. Also called: NR2E3-related condition; NR2E3-related disorders. Identifiers: MedGen CN239387.

Allele frequency attached by ClinVar (database versions not stated): gnomAD 0.00001; gnomAD exomes 0.00001 and 0.00002; TOPMed 0.00005.
gnomAD v4.1: 10 of 1,551,252 alleles (0.00064%); highest among the groups gnomAD compares: African/African-American, 0.0027%; no homozygotes.

Submissions (6):

PreventionGenetics, part of Exact Sciences
Classification: Pathogenic for NR2E3-related condition. Last evaluated: 2026-05-04. Review status: criteria provided, single submitter. Criteria: ACMG Guidelines, 2015. Collection method: clinical testing. Allele origin: germline.
Comment: The NR2E3 c.310C>T variant is predicted to result in the amino acid substitution p.Arg104Trp. This variant has been reported with an additional NR2E3 variant and in the homozygous state in multiple individuals with enhanced S-cone syndrome (ESCS, Haider et al. 2000. PubMed ID: 10655056; Wright et al. 2004. PubMed ID: 15459973; Audo et al. 2008. PubMed ID: 18436841; Hull et al. 2014. PubMed ID: 25079116; de Carvalho et al. 2020. PubMed ID: 32679203). In vitro functional studies in HEK293T cells demonstrated this variant impacts NR2E3 transactivation activity, dimerization, the interaction with CRX, and DNA binding (Roduit et al. 2009. PubMed ID: 19823680; Kanda et al. 2009. PubMed ID: 19898638). This variant is reported in 0.0051% of alleles in individuals of European (non-Finnish) descent in gnomAD. A different missense change impacting the same amino acid (p.Arg104Gln) has also been reported in individuals with ESCS and demonstrated to impact NR2E3 function (see for example: Roduit et al. 2009. PubMed ID: 19823680; Hull et al. 2014. PubMed ID: 25079116). Taken together, the c.310C>T (p.Arg104Trp) variant is interpreted as pathogenic.

Labcorp Genetics (formerly Invitae), Labcorp
Classification: Pathogenic. Last evaluated: 2025-11-01. Review status: criteria provided, single submitter. Criteria: Invitae Variant Classification Sherloc (09022015). Collection method: clinical testing. Allele origin: germline.
Comment: This sequence change replaces arginine, which is basic and polar, with tryptophan, which is neutral and slightly polar, at codon 104 of the NR2E3 protein (p.Arg104Trp). The frequency data for this variant in the population databases is considered unreliable, as metrics indicate poor data quality at this position in the gnomAD database. This missense change has been observed in individuals with autosomal recessive enhanced S-cone syndrome (ESCS) (PMID: 15459973, 18436841, 19898638, 25079116). It has also been observed to segregate with disease in related individuals. ClinVar contains an entry for this variant (Variation ID: 846973). Invitae Evidence Modeling of protein sequence and biophysical properties (such as structural, functional, and spatial information, amino acid conservation, physicochemical variation, residue mobility, and thermodynamic stability) indicates that this missense variant is expected to disrupt NR2E3 protein function with a positive predictive value of 80%. Experimental studies have shown that this missense change affects NR2E3 function (PMID: 19823680, 19898638). This variant disrupts the p.Arg104 amino acid residue in NR2E3. Other variant(s) that disrupt this residue have been determined to be pathogenic (PMID: 16225923, 19898638, 23374571, 25079116, 27522502). This suggests that this residue is clinically significant, and that variants that disrupt this residue are likely to be disease-causing. For these reasons, this variant has been classified as Pathogenic.

Natera, Inc.
Classification: Pathogenic for Enhanced S cone syndrome. Last evaluated: 2025-03-14. Review status: criteria provided, single submitter. Criteria: Natera Variant Classification Schema (03/2026). Collection method: clinical testing. Allele origin: germline.
Comment: The c.310C>T variant in NR2E3 is a missense variant predicted to cause substitution of arginine to tryptophan at amino acid 104. This variant is rare in the general population with a frequency below the threshold expected for the associated phenotype(s). This variant has been observed in one or more individuals affected with the associated recessive disease, as either homozygous or compound heterozygous with a second variant (PMID: 15459973, 18436841, 18227217, 33819700). This variant has been observed to segregate in affected family members (PMID: 18436841). Computational prediction algorithms indicate this variant is likely to affect gene or protein function. Given the available evidence, this variant is classified as Pathogenic.

SingHealth Duke-NUS Institute of Precision Medicine
Classification: Likely pathogenic for ENHANCED S-CONE SYNDROME 1. Last evaluated: 2025-02-05. Review status: criteria provided, single submitter. Criteria: PRISM ACMG Classification Criteria. Collection method: clinical testing. Allele origin: germline. Affected: yes.
Comment: Variant is located in a mutational hotspot where >50% of classified variants are pathogenic (PM1). Allele frequency in gnomAD exomes and genomes are < 0.000001, and homozygous allele count are less than 0 (PM2). Other variant at this amino acid residue has been classified as pathogenic/likely pathogenic (PM5, p.Arg104Gln). Experimental studies have shown that this missense change affects NR2E3 function (PS3, PMID: 19823680;19898638)

Baylor Genetics
Classification: Pathogenic for ENHANCED S-CONE SYNDROME 1. Last evaluated: 2024-03-21. Review status: criteria provided, single submitter. Criteria: ACMG Guidelines, 2015. Collection method: clinical testing. Allele origin: unknown.

Blueprint Genetics
Classification: Pathogenic for NR2E3-related disorders. Last evaluated: 2022-10-15. Review status: criteria provided, single submitter. Criteria: ACMG Guidelines, 2015. Collection method: clinical testing. Allele origin: germline. Affected: yes. Observed: 5 variant alleles.

Literature cited by the submitters: PubMed 15459973 (cited by Labcorp Genetics (formerly Invitae), Labcorp and Natera, Inc.); PubMed 18436841 (cited by Labcorp Genetics (formerly Invitae), Labcorp and Natera, Inc.); PubMed 19898638 (cited by Labcorp Genetics (formerly Invitae), Labcorp and SingHealth Duke-NUS Institute of Precision Medicine); PubMed 25079116 (cited by Labcorp Genetics (formerly Invitae), Labcorp); PubMed 19823680 (cited by Labcorp Genetics (formerly Invitae), Labcorp and SingHealth Duke-NUS Institute of Precision Medicine); PubMed 16225923 (cited by Labcorp Genetics (formerly Invitae), Labcorp); PubMed 23374571 (cited by Labcorp Genetics (formerly Invitae), Labcorp); PubMed 27522502 (cited by Labcorp Genetics (formerly Invitae), Labcorp); PubMed 18227217 (cited by Natera, Inc.); PubMed 33819700 (cited by Natera, Inc.).